The following is an entry in ClinVar:

NM_001457.4(FLNB):c.2576-2A>T

Gene: FLNB (filamin B; plus strand). Cytogenetic location: 3p14.3.
Variant type: single nucleotide variant.
Coding change: c.2576-2A>T on transcript NM_001457.4 (MANE Select); the canonical splice acceptor site of the intron before coding-DNA position 2576, A replaced by T.
Molecular consequence: splice acceptor variant.
Genome position (GRCh38, 1-based): chr3:58,112,147, A>T. VCF-style: chr3-58112147-A-T. GRCh37 (hg19) VCF-style: chr3-58097874-A-T.
Other names: c.2576-2A>T (NM_001164317.2, NM_001164318.2, NM_001164319.2).
Identifiers: ClinVar variation 2822964 (VCV002822964.3), dbSNP rs2471092923, ClinGen allele CA353345734.
Genomic context (GRCh38, chr3:58,112,147, plus strand): 5'-GGTTCTCAAAGTGAAACTACTCCAGCTGGTCTGTCTCCTCACTTCACAGTATATCTTTCC[A>T]GGTGTGGAAAATGGGAAACCGACCCACTTCACTGTCTACACCAAGGGGGCTGGGAAAGCC-3'

ClinVar aggregate classification (germline): Likely pathogenic (1 of 4 stars; one submission).

Submission:

Labcorp Genetics (formerly Invitae), Labcorp
Classification: Likely pathogenic. Last evaluated: 2023-04-23. Review status: criteria provided, single submitter. Criteria: Invitae Variant Classification Sherloc (09022015). Collection method: clinical testing. Allele origin: germline.
Comment: In summary, the currently available evidence indicates that the variant is pathogenic, but additional data are needed to prove that conclusively. Therefore, this variant has been classified as Likely Pathogenic. Algorithms developed to predict the effect of sequence changes on RNA splicing suggest that this variant may disrupt the consensus splice site. This variant has not been reported in the literature in individuals affected with FLNB-related conditions. This variant is not present in population databases (gnomAD no frequency). This sequence change affects an acceptor splice site in intron 17 of the FLNB gene. It is expected to disrupt RNA splicing. Variants that disrupt the donor or acceptor splice site typically lead to a loss of protein function (PMID: 16199547), and loss-of-function variants in FLNB are known to be pathogenic (PMID: 14991055).

Literature cited by the submitters: PubMed 16199547; PubMed 14991055.